The following is an entry in ClinVar:

NM_012431.3(SEMA3E):c.1009C>T (p.Arg337Ter)

Gene: SEMA3E (semaphorin 3E; minus strand). Cytogenetic location: 7q21.11.
Variant type: single nucleotide variant.
Coding change: c.1009C>T on transcript NM_012431.3 (MANE Select); coding-DNA position 1009, C replaced by T.
Protein change: p.Arg337Ter; replaces arginine 337 with a stop codon.
Molecular consequence: nonsense.
Genome position (GRCh38, 1-based): chr7:83,402,766, G>A on the plus strand (C>T on the coding strand, the complement: SEMA3E is on the minus strand). VCF-style: chr7-83402766-G-A. GRCh37 (hg19) VCF-style: chr7-83032082-G-A.
Other names: c.829C>T, p.Arg277Ter (NM_001178129.2); short protein forms R337*, R277*.
Identifiers: ClinVar variation 1431245 (VCV001431245.7), dbSNP rs965528935, ClinGen allele CA367929315.
Genomic context (GRCh38, chr7:83,402,766, plus strand): 5'-ATGGTCCGTTGAAGGCTGCCCGAATGCTAGACATGTGATAGACACATATAGCATGCCCTC[G>A]AAAAATATTACTGAAAAATACAAAAAAGATAATTATTCTTCTGGAACTAACTGCAGGTCA-3'

ClinVar aggregate classification (germline): Uncertain significance. Review status: criteria provided, multiple submitters, no conflicts (2 of 4 stars). 2 submissions from 2 submitters: Uncertain significance (2). Last evaluated 2023-06-27.

Conditions:
Hypogonadotropic hypogonadism 7 with or without anosmia (HH7). Also called: GNRHR-Related GnRH Deficiency; HYPOGONADOTROPIC HYPOGONADISM 7 WITHOUT ANOSMIA. Identifiers: Orphanet 432, MedGen C0342384, MONDO:0007794, OMIM 146110.
CHARGE syndrome (CHARGE). Also called: Coloboma, heart anomaly, choanal atresia, retardation, genital and ear anomalies; CHARGE association; Hall-Hittner syndrome; Hittner Hirsch Kreh syndrome; CHARGE ASSOCIATION--COLOBOMA, HEART ANOMALY, CHOANAL ATRESIA, RETARDATION, GENITAL AND EAR ANOMALIES. Identifiers: Orphanet 138, MedGen C0265354, MONDO:0008965.

gnomAD v4.1: 22 of 1,612,070 alleles (0.0014%); highest among the groups gnomAD compares: South Asian, 0.0022%; no homozygotes.

Submissions (2):

Labcorp Genetics (formerly Invitae), Labcorp
Classification: Uncertain significance for CHARGE syndrome. Last evaluated: 2023-06-27. Review status: criteria provided, single submitter. Criteria: Invitae Variant Classification Sherloc (09022015). Collection method: clinical testing. Allele origin: germline.
Comment: This sequence change creates a premature translational stop signal (p.Arg337*) in the SEMA3E gene. It is expected to result in an absent or disrupted protein product. However, the current clinical and genetic evidence is not sufficient to establish whether loss-of-function variants in SEMA3E cause disease. In summary, the available evidence is currently insufficient to determine the role of this variant in disease. Therefore, it has been classified as a Variant of Uncertain Significance. Algorithms developed to predict the effect of sequence changes on RNA splicing suggest that this variant may create or strengthen a splice site. ClinVar contains an entry for this variant (Variation ID: 1431245). This variant has not been reported in the literature in individuals affected with SEMA3E-related conditions. This variant is present in population databases (no rsID available, gnomAD 0.003%).

Fulgent Genetics
Classification: Uncertain significance for Hypogonadotropic hypogonadism 7 with or without anosmia; CHD7-related CHARGE syndrome. Last evaluated: 2021-09-14. Review status: criteria provided, single submitter. Criteria: ACMG Guidelines, 2015. Collection method: clinical testing. Allele origin: unknown.